The following is an entry in ClinVar:

ClinVar aggregate classification (germline): Likely benign. Review status: criteria provided, multiple submitters, no conflicts (2 of 4 stars). 2 submissions from 2 submitters: Likely benign (2). Last evaluated 2025-11-01.

Conditions:
Nemaline myopathy 2 (NEM2). Also called: Nemaline myopathy 2, autosomal recessive. Identifiers: MedGen C1850569, MONDO:0009725, OMIM 256030.

Allele frequency attached by ClinVar (database versions not stated): gnomAD exomes below 0.00001; gnomAD 0.00001; TOPMed 0.00001.
gnomAD v4.1: 3 of 1,600,396 alleles (0.00019%); highest among the groups gnomAD compares: African/African-American, 0.0027%; no homozygotes.

Submissions (2):

Labcorp Genetics (formerly Invitae), Labcorp
Classification: Likely benign for Nemaline myopathy 2. Last evaluated: 2025-11-01. Review status: criteria provided, single submitter. Criteria: Invitae Variant Classification Sherloc (09022015). Collection method: clinical testing. Allele origin: germline.

GeneDx
Classification: Likely benign. Last evaluated: 2017-05-04. Review status: criteria provided, single submitter. Criteria: GeneDx Variant Classification (06012015). Collection method: clinical testing. Allele origin: germline. Affected: yes.
Comment: This variant is considered likely benign or benign based on one or more of the following criteria: it is a conservative change, it occurs at a poorly conserved position in the protein, it is predicted to be benign by multiple in silico algorithms, and/or has population frequency not consistent with disease.

NM_001164508.2(NEB):c.3988-15A>G

Gene: NEB (nebulin; minus strand). Cytogenetic location: 2q23.3.
Variant type: single nucleotide variant.
Coding change: c.3988-15A>G on transcript NM_001164508.2 (MANE Select); 15 bases into the intron before coding-DNA position 3988, A replaced by G.
Molecular consequence: intron variant.
Genome position (GRCh38, 1-based): chr2:151,672,695, T>C on the plus strand (A>G on the coding strand, the complement: NEB is on the minus strand). VCF-style: chr2-151672695-T-C. GRCh37 (hg19) VCF-style: chr2-152529209-T-C.
Other names: c.3988-15A>G (NM_004543.5, NM_001164507.2, NM_001271208.2).
Identifiers: ClinVar variation 509376 (VCV000509376.8), dbSNP rs1159293402, ClinGen allele CA537030610.